The following is an entry in ClinVar:

NM_001034853.2(RPGR):c.1548del (p.Lys516fs)

Gene: RPGR (retinitis pigmentosa GTPase regulator; minus strand). Cytogenetic location: Xp11.4.
Variant type: Deletion.
Coding change: c.1548del on transcript NM_001034853.2 (MANE Select); coding-DNA position 1548, one base deleted (A; older notation c.1548delA).
Protein change: p.Lys516fs; shifts the reading frame from lysine 516.
Molecular consequence: frameshift variant. On other transcripts: non-coding transcript variant (6).
Genome position (GRCh38, 1-based): chrX:38,290,983, T deleted on the plus strand (A on the coding strand, the reverse complement: RPGR is on the minus strand); the first of 4 consecutive T bases (chrX:38,290,983-38,290,986); deleting any one gives the same sequence. VCF-style (leftmost placement, unchanged base first): chrX-38290982-AT-A. GRCh37 (hg19) VCF-style: chrX-38150235-AT-A.
Other names: c.1548del, p.Lys516fs (NM_000328.3, NM_001367247.1); c.1545del, p.Lys515fs (NM_001367245.1, NM_001367249.1, NM_001367250.1); c.1362del, p.Lys454fs (NM_001367246.1, NM_001367251.1); c.1578del, p.Lys526fs (NM_001367248.1); short protein forms K516fs, K454fs, K526fs, K515fs.
Identifiers: ClinVar variation 2072211 (VCV002072211.4), dbSNP rs2519806235, ClinGen allele CA2580100814.

ClinVar aggregate classification (germline): Pathogenic (1 of 4 stars; one submission).

Conditions:
Primary ciliary dyskinesia. Also called: Ciliary dyskinesia. Identifiers: Orphanet 244, MedGen C0008780, MONDO:0016575, HP:0012265.

Submission:

Labcorp Genetics (formerly Invitae), Labcorp
Classification: Pathogenic for Primary ciliary dyskinesia. Last evaluated: 2022-01-03. Review status: criteria provided, single submitter. Criteria: Invitae Variant Classification Sherloc (09022015). Collection method: clinical testing. Allele origin: germline.
Comment: For these reasons, this variant has been classified as Pathogenic. This variant has not been reported in the literature in individuals affected with RPGR-related conditions. This variant is not present in population databases (gnomAD no frequency). This sequence change creates a premature translational stop signal (p.Lys516Asnfs*17) in the RPGR gene. It is expected to result in an absent or disrupted protein product. Loss-of-function variants in RPGR are known to be pathogenic (PMID: 16055928, 16969763).

Literature cited by the submitters: PubMed 16055928; PubMed 16969763.